The following is an entry in ClinVar:

NM_032634.4(PIGO):c.3113T>G (p.Leu1038Arg)

Gene: PIGO (phosphatidylinositol glycan anchor biosynthesis class O; minus strand). Cytogenetic location: 9p13.3.
Variant type: single nucleotide variant.
Coding change: c.3113T>G on transcript NM_032634.4 (MANE Select); coding-DNA position 3113, T replaced by G.
Protein change: p.Leu1038Arg; replaces leucine 1038 with arginine.
Molecular consequence: missense variant.
Genome position (GRCh38, 1-based): chr9:35,089,407, A>C on the plus strand (T>G on the coding strand, the complement: PIGO is on the minus strand). VCF-style: chr9-35089407-A-C. GRCh37 (hg19) VCF-style: chr9-35089404-A-C.
Other names: c.1862T>G, p.Leu621Arg (NM_001201484.2, NM_152850.4); short protein forms L1038R, L621R.
Identifiers: ClinVar variation 582749 (VCV000582749.8), dbSNP rs761199326, ClinGen allele CA5040243.

ClinVar aggregate classification (germline): Uncertain significance (1 of 4 stars; one submission).

Conditions:
Hyperphosphatasia with impaired intellectual development syndrome 2. Also called: Hyperphosphatasia with intellectual disability syndrome 2; GLYCOSYLPHOSPHATIDYLINOSITOL BIOSYNTHESIS DEFECT 6. Identifiers: Orphanet 247262, MedGen C3553637, MONDO:0013882, OMIM 614749.

Allele frequency attached by ClinVar (database versions not stated): TOPMed 0.00001; gnomAD exomes 0.00002 and 0.00001; ExAC 0.00002; gnomAD 0.00002.
gnomAD v4.1: 21 of 1,614,086 alleles (0.0013%); highest among the groups gnomAD compares: Admixed American, 0.0033%; no homozygotes.

Submission:

Labcorp Genetics (formerly Invitae), Labcorp
Classification: Uncertain significance for Hyperphosphatasia with impaired intellectual development syndrome 2. Last evaluated: 2020-08-14. Review status: criteria provided, single submitter. Criteria: Invitae Variant Classification Sherloc (09022015). Collection method: clinical testing. Allele origin: germline.
Comment: In summary, the available evidence is currently insufficient to determine the role of this variant in disease. Therefore, it has been classified as a Variant of Uncertain Significance. Algorithms developed to predict the effect of missense changes on protein structure and function (SIFT, PolyPhen-2, Align-GVGD) all suggest that this variant is likely to be disruptive, but these predictions have not been confirmed by published functional studies and their clinical significance is uncertain. This variant has not been reported in the literature in individuals with PIGO-related disease. This variant is present in population databases (rs761199326, ExAC 0.003%). This sequence change replaces leucine with arginine at codon 1038 of the PIGO protein (p.Leu1038Arg). The leucine residue is highly conserved and there is a moderate physicochemical difference between leucine and arginine.